The following is an entry in ClinVar:

NM_007294.4(BRCA1):c.2006T>C (p.Met669Thr)

Gene: BRCA1 (BRCA1 DNA repair associated; minus strand). Cytogenetic location: 17q21.31.
Variant type: single nucleotide variant.
Coding change: c.2006T>C on transcript NM_007294.4 (MANE Select); coding-DNA position 2006, T replaced by C.
Protein change: p.Met669Thr; replaces methionine 669 with threonine.
Molecular consequence: missense variant. On other transcripts: intron variant (137).
Genome position (GRCh38, 1-based): chr17:43,093,525, A>G on the plus strand (T>C on the coding strand, the complement: BRCA1 is on the minus strand). VCF-style: chr17-43093525-A-G. GRCh37 (hg19) VCF-style: chr17-41245542-A-G.
Other names: 2125T>C; c.1865T>C, p.Met622Thr (NM_001407729.1, NM_001407730.1, NM_001407731.1 and 29 more transcripts); c.1862T>C, p.Met621Thr (NM_001407740.1, NM_001407741.1, NM_001407742.1 and 20 more transcripts); c.1793T>C, p.Met598Thr (NM_001407853.1, NM_001407894.1, NM_001407895.1 and 9 more transcripts); c.2006T>C, p.Met669Thr (NM_001407854.1, NM_001407858.1, NM_001407859.1 and 30 more transcripts); c.2003T>C, p.Met668Thr (NM_001407860.1, NM_001407861.1, NM_001407587.1 and 22 more transcripts); c.1805T>C, p.Met602Thr (NM_001407862.1); c.1883T>C, p.Met628Thr (NM_001407863.1, NM_001407919.1, NM_001407937.1 and 19 more transcripts); and 41 more; short protein forms M669T, M622T, M580T, M599T, M602T, M501T, M542T, M558T.
Identifiers: ClinVar variation 37442 (VCV000037442.30), dbSNP rs80356895, ClinGen allele CA001337.
Genomic context (GRCh38, chr17:43,093,525, plus strand): 5'-CTTGTCTGTTCATTTGGCTTGTTACTCTTCTTGGCTCCAGTTGCAGGTTCTTTACCTTCC[A>G]TGAGTTGTAGGTTTCTGCTGTGCCTGACTGGCATTTGGTTGTACTTTTTTTTCTTTATCT-3'
Protein context (NP_009225.1, residues 659-679): PVRHSRNLQL[Met669Thr]EGKEPATGAK

ClinVar aggregate classification (germline): Conflicting classifications of pathogenicity. Review status: criteria provided, conflicting classifications (1 of 4 stars). 14 submissions from 14 submitters: Uncertain significance (1); Benign (2); Likely benign (6). 5 of the submissions do not count toward it. Last evaluated 2026-01-26.

Conditions:
Hereditary cancer-predisposing syndrome. Also called: Tumor predisposition; Neoplastic Syndromes, Hereditary; Hereditary Cancer Syndrome; Hereditary neoplastic syndrome. Identifiers: Orphanet 140162, MedGen C0027672, MeSH D009386, MONDO:0015356.
Hereditary breast ovarian cancer syndrome. Also called: Hereditary breast and ovarian cancer syndrome (HBOC); Hereditary breast and ovarian cancer syndrome; Hereditary breast and ovarian cancer; Hereditary breast and/or ovarian cancer syndrome; Breast and ovarian cancer; BRCA1- and BRCA2-Associated Hereditary Breast and Ovarian Cancer. Identifiers: Orphanet 145, MedGen C0677776, MeSH D061325, MONDO:0003582. Disease mechanism: loss of function.
Breast-ovarian cancer, familial, susceptibility to, 1 (BROVCA1). Also called: OVARIAN CANCER, SUSCEPTIBILITY TO; BRCA1 Hereditary Breast and Ovarian Cancer. Identifiers: Orphanet 145, MedGen C2676676, MONDO:0011450, OMIM 604370. Disease mechanism: loss of function.
Familial cancer of breast. Also called: Hereditary breast cancer; hereditary breast carcinoma; BREAST CANCER, FAMILIAL. Identifiers: Orphanet 227535, MedGen C0346153, MONDO:0016419, OMIM 114480. Disease mechanism: loss of function.

Allele frequency attached by ClinVar (database versions not stated): gnomAD exomes 0.00001 and 0.00005; gnomAD 0.00002 and 0.00003; TOPMed 0.00002; ExAC 0.00003; 1000 Genomes Project 30x 0.00016; 1000 Genomes Project 0.00020.
gnomAD v4.1: 17 of 1,613,980 alleles (0.0011%); highest among the groups gnomAD compares: East Asian, 0.036%; no homozygotes.

Submissions (14):

Labcorp Genetics (formerly Invitae), Labcorp
Classification: Benign for Hereditary breast ovarian cancer syndrome. Last evaluated: 2026-01-26. Review status: criteria provided, single submitter. Criteria: Invitae Variant Classification Sherloc (09022015). Collection method: clinical testing. Allele origin: germline.

Women's Health and Genetics/Laboratory Corporation of America, LabCorp
Classification: Uncertain significance. Last evaluated: 2024-06-10. Review status: criteria provided, single submitter. Criteria: LabCorp Variant Classification Summary - May 2015. Collection method: clinical testing. Allele origin: germline.
Comment: Variant summary: BRCA1 c.2006T>C (p.Met669Thr) results in a non-conservative amino acid change in the encoded protein sequence. Four of five in-silico tools predict a benign effect of the variant on protein function. The variant allele was found at a frequency of 7.6e-05 in 262638 control chromosomes. This frequency is not significantly higher than estimated for a pathogenic variant in BRCA1 causing Hereditary Breast And Ovarian Cancer Syndrome (7.6e-05 vs 0.001), allowing no conclusion about variant significance. c.2006T>C has been reported in the literature in individuals affected with Breast Cancer (e.g. Sun_2014) and Prostate Cancer (e.g. Tang_2022). These reports do not provide unequivocal conclusions about association of the variant with Hereditary Breast And Ovarian Cancer Syndrome. These report(s) do not provide unequivocal conclusions about association of the variant with Hereditary Breast And Ovarian Cancer Syndrome. To our knowledge, no experimental evidence demonstrating an impact on protein function has been reported. The following publications have been ascertained in the context of this evaluation (PMID: 25337278, 33087888, 32467295, 35734583). ClinVar contains an entry for this variant (Variation ID: 37442). Based on the evidence outlined above, the variant was classified as VUS-possibly benign.

All of Us Research Program, National Institutes of Health
Classification: Likely benign for Breast-ovarian cancer, familial, susceptibility to, 1. Last evaluated: 2023-07-10. Review status: criteria provided, single submitter. Criteria: ACMG Guidelines, 2015. Collection method: clinical testing. Allele origin: germline. Inheritance: Autosomal dominant inheritance. Observed: 1 variant allele, 1 heterozygote.
Comment: This study involves interpretation of variants in research participants for the purpose of population health screening. Participant phenotype was not available at the time of variant classification. Additional details can be found in publication PMID: 35346344, PMCID: PMC8962531

University of Washington Department of Laboratory Medicine, University of Washington
Classification: Likely benign for Hereditary cancer-predisposing syndrome. Last evaluated: 2023-03-23. Review status: criteria provided, single submitter. Criteria: Dines et al. (Genet Med. 2020). Collection method: curation. Allele origin: germline.
Comment: Missense variant in a coldspot region where missense variants are very unlikely to be pathogenic (PMID:31911673).

BRCA1 coldspot (exon 11 using historical exon numbering). Reclassification based on statistical prior probability

Quest Diagnostics Nichols Institute San Juan Capistrano
Classification: Likely benign. Last evaluated: 2023-01-30. Review status: criteria provided, single submitter. Criteria: Quest Diagnostics criteria. Collection method: clinical testing. Allele origin: unknown.

Ambry Genetics
Classification: Likely benign for Hereditary cancer-predisposing syndrome. Last evaluated: 2022-09-09. Review status: criteria provided, single submitter. Criteria: Ambry Variant Classification Scheme 2023. Collection method: clinical testing. Allele origin: germline.

Mendelics
Classification: Benign for Breast-ovarian cancer, familial, susceptibility to, 1. Last evaluated: 2019-05-28. Review status: criteria provided, single submitter. Criteria: Mendelics Assertion Criteria 2017. Collection method: clinical testing. Allele origin: unknown.

GeneDx
Classification: Likely benign. Last evaluated: 2018-01-03. Review status: criteria provided, single submitter. Criteria: GeneDx Variant Classification (06012015). Collection method: clinical testing. Allele origin: germline. Affected: yes.
Comment: This variant is considered likely benign or benign based on one or more of the following criteria: it is a conservative change, it occurs at a poorly conserved position in the protein, it is predicted to be benign by multiple in silico algorithms, and/or has population frequency not consistent with disease.

Color Diagnostics, LLC DBA Color Health
Classification: Likely benign for Hereditary cancer-predisposing syndrome. Last evaluated: 2016-09-23. Review status: criteria provided, single submitter. Criteria: ACMG Guidelines, 2015. Collection method: clinical testing. Allele origin: germline.

Counsyl
Classification: Uncertain significance for Breast-ovarian cancer, familial, susceptibility to, 1. Last evaluated: 2015-12-01. Review status: no assertion criteria provided. Collection method: clinical testing. Allele origin: unknown. Not counted in ClinVar's aggregate classification.

Sharing Clinical Reports Project (SCRP)
Classification: Benign for Breast-ovarian cancer, familial 1. Last evaluated: 2012-02-17. Review status: no assertion criteria provided. Collection method: clinical testing. Allele origin: germline. Not counted in ClinVar's aggregate classification.

Breast Cancer Information Core (BIC) (BRCA1)
Classification: Uncertain significance for Breast-ovarian cancer, familial 1. Last evaluated: 2004-11-25. Review status: no assertion criteria provided. Collection method: clinical testing. Allele origin: germline. Affected: yes. Observed: 1 variant allele. Not counted in ClinVar's aggregate classification.

Center for Precision Medicine, Meizhou People's Hospital
Classification: Uncertain significance for Familial cancer of breast. Review status: no assertion criteria provided. Collection method: literature only. Allele origin: germline. Affected: yes. Not counted in ClinVar's aggregate classification.

Department of Pathology and Laboratory Medicine, Sinai Health System
Classification: Uncertain significance for Breast-ovarian cancer, familial, susceptibility to, 1. Review status: no assertion criteria provided. Collection method: clinical testing. Allele origin: unknown. Affected: yes. Study: The Canadian Open Genetics Repository (COGR). Not counted in ClinVar's aggregate classification.
Comment: The BRCA1 p.Met669Thr variant was identified in 4 of 926 proband chromosomes (frequency: 0.004) from individuals or families with breast cancer and was not identified in 60 control chromosomes from healthy individuals (Sun 2014). The variant was also identified in dbSNP (ID: rs80356895) as "With other allele" and ClinVar (classified as benign by SCRP; as likely benign by GeneDx; and as uncertain significance by Ambry Genetics, Counsyl, COGR and BIC). The variant was not identified in LOVD 3.0 or UMD-LSDB databases. The variant was identified in 12 of 276982 chromosomes at a frequency of 0.00004 (Genome Aggregation Database Feb 27, 2017). The variant was observed in the following populations: European in 1 of 126578 chromosomes (freq: 0.000008) and East Asian in 11 of 18862 chromosomes (freq: 0.0006), but not in the African, Other, Latino, Ashkenazi Jewish, Finnish, or South Asian populations. The p.Met669 residue is not conserved in mammals and computational analyses (PolyPhen-2, SIFT, AlignGVGD, BLOSUM, MutationTaster) provide inconsistent predictions regarding the impact to the protein; this information is not very predictive of pathogenicity. The variant occurs outside of the splicing consensus sequence and in silico or computational prediction software programs (SpliceSiteFinder, MaxEntScan, NNSPLICE, GeneSplicer) do not predict a difference in splicing. In summary, based on the above information, the clinical significance of this variant cannot be determined with certainty at this time. This variant is classified as a variant of uncertain significance.

Literature cited by the submitters: PubMed 25337278 (cited by 5 submitters); PubMed 33087888 (cited by Women's Health and Genetics/Laboratory Corporation of America, LabCorp and Quest Diagnostics Nichols Institute San Juan Capistrano); PubMed 32467295 (cited by Women's Health and Genetics/Laboratory Corporation of America, LabCorp and Quest Diagnostics Nichols Institute San Juan Capistrano); PubMed 35734583 (cited by Women's Health and Genetics/Laboratory Corporation of America, LabCorp); PubMed 33471991 (cited by Quest Diagnostics Nichols Institute San Juan Capistrano); PubMed 31825140 (cited by Quest Diagnostics Nichols Institute San Juan Capistrano); PubMed 31131967 (cited by Quest Diagnostics Nichols Institute San Juan Capistrano); PubMed 32885271 (cited by Ambry Genetics).